The following is an entry in ClinVar:

ClinVar aggregate classification (germline): Uncertain significance (1 of 4 stars; one submission).

Conditions:
Epidermolysis bullosa simplex 3, localized or generalized intermediate, with BP230 deficiency (EBS3). Also called: Epidermolysis bullosa simplex, autosomal recessive 2; Epidermolysis bullosa simplex due to BP230 deficiency. Identifiers: Orphanet 412181, MedGen C3809470, MONDO:0014180, OMIM 615425.
Hereditary sensory and autonomic neuropathy type 6. Also called: Neuropathy, hereditary sensory and autonomic, type VI; HSAN VI. Identifiers: Orphanet 314381, MedGen C3539003, MONDO:0013839, OMIM 614653.

Submission:

Labcorp Genetics (formerly Invitae), Labcorp
Classification: Uncertain significance for Epidermolysis bullosa simplex 3, localized or generalized intermediate, with BP230 deficiency; Hereditary sensory and autonomic neuropathy type 6. Last evaluated: 2020-01-02. Review status: criteria provided, single submitter. Criteria: Invitae Variant Classification Sherloc (09022015). Collection method: clinical testing. Allele origin: germline.
Comment: In summary, the available evidence is currently insufficient to determine the role of this variant in disease. Therefore, it has been classified as a Variant of Uncertain Significance. Experimental studies and prediction algorithms are not available or were not evaluated, and the functional significance of this variant is currently unknown. This variant has not been reported in the literature in individuals with DST-related conditions. This variant is not present in population databases (ExAC no frequency). This sequence change replaces histidine with proline at codon 2595 of the DST protein (p.His2595Pro). The histidine residue is highly conserved and there is a moderate physicochemical difference between the two amino acids. The DST gene has multiple clinically relevant transcripts. This variant occurs in alternate transcript NM_015548.4, and corresponds to NM_001723.5:c.*62378A>C in the primary transcript.

NM_001374736.1(DST):c.15653A>C (p.His5218Pro)

Gene: DST (dystonin; minus strand). Cytogenetic location: 6p12.1.
Variant type: single nucleotide variant.
Coding change: c.15653A>C on transcript NM_001374736.1 (MANE Select); coding-DNA position 15653, A replaced by C.
Protein change: p.His5218Pro; replaces histidine 5218 with proline.
Molecular consequence: missense variant.
Genome position (GRCh38, 1-based): chr6:56,553,139, T>G on the plus strand (A>C on the coding strand, the complement: DST is on the minus strand). VCF-style: chr6-56553139-T-G. GRCh37 (hg19) VCF-style: chr6-56417937-T-G.
Other names: c.9296A>C, p.His3099Pro (NM_001144769.5); c.8882A>C, p.His2961Pro (NM_001144770.2); c.15653A>C, p.His5218Pro (NM_001374722.1); c.15020A>C, p.His5007Pro (NM_001374729.1); c.8762A>C, p.His2921Pro (NM_001374730.1, NM_183380.4); c.15680A>C, p.His5227Pro (NM_001374734.1); c.7784A>C, p.His2595Pro (NM_015548.5); short protein forms H2595P, H5218P, H3099P, H2921P, H5007P, H2961P, H5227P.
Identifiers: ClinVar variation 971985 (VCV000971985.8), dbSNP rs2097348376, ClinGen allele CA364516500.